The following is an entry in ClinVar:

NM_015978.3(TNNI3K):c.302G>A (p.Gly101Glu)

Genes: FPGT-TNNI3K (FPGT-TNNI3K readthrough; plus strand), TNNI3K (TNNI3 interacting kinase; plus strand). Cytogenetic location: 1p31.1.
Variant type: single nucleotide variant.
Coding change: c.302G>A on transcript NM_015978.3 (MANE Select); coding-DNA position 302, G replaced by A.
Protein change: p.Gly101Glu; replaces glycine 101 with glutamic acid.
Molecular consequence: missense variant.
Genome position (GRCh38, 1-based): chr1:74,250,738, G>A. VCF-style: chr1-74250738-G-A. GRCh37 (hg19) VCF-style: chr1-74716422-G-A.
Other names: c.605G>A, p.Gly202Glu (NM_001112808.3, NM_001199327.2); short protein forms G101E, G202E.
Identifiers: ClinVar variation 3809045 (VCV003809045.2).

ClinVar aggregate classification (germline): Uncertain significance. Review status: criteria provided, multiple submitters, no conflicts (2 of 4 stars). 2 submissions from 2 submitters: Uncertain significance (2). Last evaluated 2025-09-29.

Conditions:
Inborn genetic diseases. Identifiers: MedGen C0950123, MeSH D030342.

gnomAD v4.1: 3 of 1,612,568 alleles (0.00019%); highest among the groups gnomAD compares: Non-Finnish European, 0.000085%; no homozygotes.

Submissions (2):

Labcorp Genetics (formerly Invitae), Labcorp
Classification: Uncertain significance. Last evaluated: 2025-09-29. Review status: criteria provided, single submitter. Criteria: Invitae Variant Classification Sherloc (09022015). Collection method: clinical testing. Allele origin: germline.
Comment: This sequence change replaces glycine, which is neutral and non-polar, with glutamic acid, which is acidic and polar, at codon 101 of the TNNI3K protein (p.Gly101Glu). This variant is not present in population databases (gnomAD no frequency). This variant has not been reported in the literature in individuals affected with TNNI3K-related conditions. ClinVar contains an entry for this variant (Variation ID: 3809045). Invitae Evidence Modeling of protein sequence and biophysical properties (such as structural, functional, and spatial information, amino acid conservation, physicochemical variation, residue mobility, and thermodynamic stability) indicates that this missense variant is not expected to disrupt TNNI3K protein function with a negative predictive value of 80%. In summary, the available evidence is currently insufficient to determine the role of this variant in disease. Therefore, it has been classified as a Variant of Uncertain Significance.

Ambry Genetics
Classification: Uncertain significance for Inborn genetic diseases. Last evaluated: 2025-01-07. Review status: criteria provided, single submitter. Criteria: Ambry Variant Classification Scheme 2023. Collection method: clinical testing. Allele origin: germline.